The following is an entry in ClinVar:

ClinVar aggregate classification (germline): Uncertain significance (1 of 4 stars; one submission).

Conditions:
Cardiovascular phenotype. Identifiers: MedGen CN230736.

Submission:

Ambry Genetics
Classification: Uncertain significance for Cardiovascular phenotype. Last evaluated: 2025-02-09. Review status: criteria provided, single submitter. Criteria: Ambry Variant Classification Scheme 2023. Collection method: clinical testing. Allele origin: germline.
Comment: The p.R2843K variant (also known as c.8528G>A), located in coding exon 2 of the ZNF469 gene, results from a G to A substitution at nucleotide position 8528. The arginine at codon 2843 is replaced by lysine, an amino acid with highly similar properties. This amino acid position is conserved. In addition, this alteration is predicted to be tolerated by in silico analysis. Based on the available evidence, the clinical significance of this variant remains unclear.

NM_001367624.2(ZNF469):c.8612G>A (p.Arg2871Lys)

Gene: ZNF469 (zinc finger protein 469; plus strand). Cytogenetic location: 16q24.2.
Variant type: single nucleotide variant.
Coding change: c.8612G>A on transcript NM_001367624.2 (MANE Select); coding-DNA position 8612, G replaced by A.
Protein change: p.Arg2871Lys; replaces arginine 2871 with lysine.
Molecular consequence: missense variant.
Genome position (GRCh38, 1-based): chr16:88,436,082, G>A. VCF-style: chr16-88436082-G-A. GRCh37 (hg19) VCF-style: chr16-88502490-G-A.
Other names: NM_001127464.1:c.8528G>A; short protein forms R2871K.
Identifiers: ClinVar variation 3821144 (VCV003821144.1).